The following is an entry in ClinVar:

ClinVar aggregate classification (germline): Uncertain significance (1 of 4 stars; one submission).

Conditions:
Inborn genetic diseases. Identifiers: MedGen C0950123, MeSH D030342.

Submission:

Ambry Genetics
Classification: Uncertain significance for Inborn genetic diseases. Last evaluated: 2024-07-24. Review status: criteria provided, single submitter. Criteria: Ambry Variant Classification Scheme 2023. Collection method: clinical testing. Allele origin: germline.
Comment: The p.D1361G variant (also known as c.4082A>G), located in coding exon 29 of the LRRK2 gene, results from an A to G substitution at nucleotide position 4082. The aspartic acid at codon 1361 is replaced by glycine, an amino acid with similar properties. This amino acid position is conserved. In addition, this alteration is predicted to be tolerated by in silico analysis. Based on the available evidence, the clinical significance of this variant remains unclear.

NM_198578.4(LRRK2):c.4082A>G (p.Asp1361Gly)

Gene: LRRK2 (leucine rich repeat kinase 2; plus strand). Cytogenetic location: 12q12.
Variant type: single nucleotide variant.
Coding change: c.4082A>G on transcript NM_198578.4 (MANE Select); coding-DNA position 4082, A replaced by G.
Protein change: p.Asp1361Gly; replaces aspartic acid 1361 with glycine.
Molecular consequence: missense variant.
Genome position (GRCh38, 1-based): chr12:40,308,589, A>G. VCF-style: chr12-40308589-A-G. GRCh37 (hg19) VCF-style: chr12-40702391-A-G.
Other names: short protein forms D1361G.
Identifiers: ClinVar variation 3540537 (VCV003540537.1).